The following is an entry in ClinVar:

ClinVar aggregate classification (germline): Pathogenic/Likely pathogenic. Review status: criteria provided, multiple submitters, no conflicts (2 of 4 stars). 4 submissions from 4 submitters: Pathogenic (3); Likely pathogenic (1). Last evaluated 2026-04-08.

Conditions:
Congenital myotonia, autosomal recessive form. Also called: myotonia congenita, autosomal recessive; BECKER DISEASE; Becker Generalized Myotonia. Identifiers: Orphanet 614, MedGen C0751360, MONDO:0009715, OMIM 255700.
Congenital myotonia, autosomal dominant form (THD). Also called: THOMSEN DISEASE; Myotonia congenita autosomal dominant. Identifiers: Orphanet 614, MedGen C2936781, MONDO:0008055, OMIM 160800.

gnomAD v4.1: 1 of 1,614,162 alleles (0.000062%); highest among the groups gnomAD compares: Non-Finnish European, 0.000085%; no homozygotes.

Submissions (4):

Women's Health and Genetics/Laboratory Corporation of America, LabCorp
Classification: Pathogenic for Congenital myotonia, autosomal recessive form. Last evaluated: 2026-04-08. Review status: criteria provided, single submitter. Criteria: LabCorp Variant Classification Summary - May 2015. Collection method: clinical testing. Allele origin: germline.
Comment: Variant summary: CLCN1 c.1649C>G (p.Thr550Arg) results in a non-conservative amino acid change in the encoded protein sequence. Algorithms developed to predict the effect of missense changes on protein structure and function all suggest that this variant is likely to be disruptive. The variant was absent in 251284 control chromosomes. c.1649C>G has been observed in multiple individuals affected with autosomal recessive congenital myotonia (e.g. Modoni_2011, Vereb_2021, Marinakis_2024). These data indicate that the variant is very likely to be associated with disease. To our knowledge, no experimental evidence demonstrating an impact on protein function has been reported. The following publications have been ascertained in the context of this evaluation (PMID: 38855810, 21221019, 33263785). ClinVar contains an entry for this variant (Variation ID: 1013567). Based on the evidence outlined above, the variant was classified as pathogenic for autosomal recessive and autosomal dominant congenital myotonia.

Laboratory of Medical Genetics, National & Kapodistrian University of Athens
Classification: Pathogenic for Congenital myotonia, autosomal recessive form. Last evaluated: 2024-02-20. Review status: criteria provided, single submitter. Criteria: ACMG Guidelines, 2015. Collection method: clinical testing. Allele origin: germline. Affected: yes.

Labcorp Genetics (formerly Invitae), Labcorp
Classification: Likely pathogenic for Congenital myotonia, autosomal recessive form; Congenital myotonia, autosomal dominant form. Last evaluated: 2024-01-09. Review status: criteria provided, single submitter. Criteria: Invitae Variant Classification Sherloc (09022015). Collection method: clinical testing. Allele origin: germline.
Comment: This sequence change replaces threonine, which is neutral and polar, with arginine, which is basic and polar, at codon 550 of the CLCN1 protein (p.Thr550Arg). This variant is not present in population databases (gnomAD no frequency). This missense change has been observed in individuals with autosomal recessive myotonia congenita (PMID: 21221019, 33263785). ClinVar contains an entry for this variant (Variation ID: 1013567). Advanced modeling of protein sequence and biophysical properties (such as structural, functional, and spatial information, amino acid conservation, physicochemical variation, residue mobility, and thermodynamic stability) performed at Invitae indicates that this missense variant is expected to disrupt CLCN1 protein function with a positive predictive value of 95%. In summary, the currently available evidence indicates that the variant is pathogenic, but additional data are needed to prove that conclusively. Therefore, this variant has been classified as Likely Pathogenic.

CeGaT Center for Human Genetics Tuebingen
Classification: Pathogenic. Last evaluated: 2022-03-01. Review status: criteria provided, single submitter. Criteria: CeGaT Center For Human Genetics Tuebingen Variant Classification Criteria Version 2. Collection method: clinical testing. Allele origin: germline. Affected: yes. Observed: 2 variant alleles.
Comment: CLCN1: PM3:Strong, PM2, PM5, PP3, PP4

Literature cited by the submitters: PubMed 33263785 (cited by Women's Health and Genetics/Laboratory Corporation of America, LabCorp and Labcorp Genetics (formerly Invitae), Labcorp); PubMed 21221019 (cited by Women's Health and Genetics/Laboratory Corporation of America, LabCorp and Labcorp Genetics (formerly Invitae), Labcorp); PubMed 38855810 (cited by Women's Health and Genetics/Laboratory Corporation of America, LabCorp).

NM_000083.3(CLCN1):c.1649C>G (p.Thr550Arg)

Gene: CLCN1 (chloride voltage-gated channel 1; plus strand). Cytogenetic location: 7q34.
Variant type: single nucleotide variant.
Coding change: c.1649C>G on transcript NM_000083.3 (MANE Select); coding-DNA position 1649, C replaced by G.
Protein change: p.Thr550Arg; replaces threonine 550 with arginine.
Molecular consequence: missense variant. On other transcripts: non-coding transcript variant (1).
Genome position (GRCh38, 1-based): chr7:143,341,995, C>G. VCF-style: chr7-143341995-C-G. GRCh37 (hg19) VCF-style: chr7-143039088-C-G.
Other names: short protein forms T550R.
Identifiers: ClinVar variation 1013567 (VCV001013567.43), dbSNP rs762754992, ClinGen allele CA369646480.